The following is an entry in ClinVar:

ClinVar aggregate classification (germline): Uncertain significance. Review status: criteria provided, multiple submitters, no conflicts (2 of 4 stars). 3 submissions from 3 submitters: Uncertain significance (3). Last evaluated 2026-02-03.

Conditions:
COL18A1-related disorder. Also called: COL18A1-related disorders; COL18A1-related condition.
Inborn genetic diseases. Identifiers: MedGen C0950123, MeSH D030342.

Allele frequency attached by ClinVar (database versions not stated): gnomAD 0.00002 and 0.00004; gnomAD exomes 0.00003; TOPMed 0.00017.
gnomAD v4.1: 22 of 1,565,896 alleles (0.0014%); highest among the groups gnomAD compares: Admixed American, 0.024%; no homozygotes.

Submissions (3):

PreventionGenetics, part of Exact Sciences
Classification: Uncertain significance for COL18A1-related condition. Last evaluated: 2026-02-03. Review status: criteria provided, single submitter. Criteria: ACMG Guidelines, 2015. Collection method: clinical testing. Allele origin: germline.
Comment: The COL18A1 c.3176C>T variant is predicted to result in the amino acid substitution p.Pro1059Leu. To our knowledge, this variant has not been reported in the literature. This variant is reported in 0.011% of alleles in individuals of Latino descent in gnomAD. At this time, the clinical significance of this variant is uncertain due to the absence of conclusive functional and genetic evidence.

Labcorp Genetics (formerly Invitae), Labcorp
Classification: Uncertain significance. Last evaluated: 2025-11-27. Review status: criteria provided, single submitter. Criteria: Invitae Variant Classification Sherloc (09022015). Collection method: clinical testing. Allele origin: germline.
Comment: This sequence change replaces proline, which is neutral and non-polar, with leucine, which is neutral and non-polar, at codon 879 of the COL18A1 protein (p.Pro879Leu). The frequency data for this variant in the population databases is considered unreliable, as metrics indicate poor data quality at this position in the gnomAD database. This variant has not been reported in the literature in individuals affected with COL18A1-related conditions. ClinVar contains an entry for this variant (Variation ID: 1421045). Experimental studies and prediction algorithms are not available or were not evaluated, and the functional significance of this variant is currently unknown. In summary, the available evidence is currently insufficient to determine the role of this variant in disease. Therefore, it has been classified as a Variant of Uncertain Significance.

Ambry Genetics
Classification: Uncertain significance for Inborn genetic diseases. Last evaluated: 2021-07-15. Review status: criteria provided, single submitter. Criteria: Ambry Variant Classification Scheme 2023. Collection method: clinical testing. Allele origin: germline.

NM_001379500.1(COL18A1):c.2636C>T (p.Pro879Leu)

Gene: COL18A1 (collagen type XVIII alpha 1 chain; plus strand). Cytogenetic location: 21q22.3.
Variant type: single nucleotide variant.
Coding change: c.2636C>T on transcript NM_001379500.1 (MANE Select); coding-DNA position 2636, C replaced by T.
Protein change: p.Pro879Leu; replaces proline 879 with leucine.
Molecular consequence: missense variant.
Genome position (GRCh38, 1-based): chr21:45,497,614, C>T. VCF-style: chr21-45497614-C-T. GRCh37 (hg19) VCF-style: chr21-46917528-C-T.
Other names: NM_130445.2:c.2636C>T; c.3176C>T, p.Pro1059Leu (NM_030582.4); c.3881C>T, p.Pro1294Leu (NM_130444.3); c.3176C>T (NM_030582.3); short protein forms P1294L, P1059L, P879L.
Identifiers: ClinVar variation 1421045 (VCV001421045.7), dbSNP rs769116877, ClinGen allele CA10067253.